The following is an entry in ClinVar:

ClinVar aggregate classification (germline): Uncertain significance (1 of 4 stars; one submission).

Submission:

Women's Health and Genetics/Laboratory Corporation of America, LabCorp
Classification: Uncertain significance. Last evaluated: 2026-06-29. Review status: criteria provided, single submitter. Criteria: LabCorp Variant Classification Summary - May 2015. Collection method: clinical testing. Allele origin: germline.
Comment: Variant summary: ITPR3 c.3374_3375delAG (p.Glu1125AlafsX12) results in a premature termination codon, predicted to cause a truncation of the encoded protein or absence of the protein due to nonsense mediated decay, however current evidence is not sufficient to establish loss of function as a mechanism for disease. The variant was absent in 251040 control chromosomes. The available data on variant occurrences in the general population are insufficient to allow any conclusion about variant significance. To our knowledge, no occurrence of c.3374_3375delAG in individuals affected with ITPR3-related conditions and no experimental evidence demonstrating its impact on protein function have been reported. No submitters have cited clinical-significance assessments for this variant to ClinVar. Based on the evidence outlined above, the variant was classified as uncertain significance.

NM_002224.4(ITPR3):c.3374_3375del (p.Glu1125fs)

Gene: ITPR3 (inositol 1,4,5-trisphosphate receptor type 3; plus strand). Cytogenetic location: 6p21.31.
Variant type: Microsatellite.
Coding change: c.3374_3375del on transcript NM_002224.4 (MANE Select); coding-DNA positions 3374 to 3375, 2 bases deleted (AG; older notation c.3374_3375delAG).
Protein change: p.Glu1125fs; shifts the reading frame from glutamic acid 1125.
Molecular consequence: frameshift variant.
Genome position (GRCh38, 1-based): chr6:33,676,859-33,676,860, AG deleted; deleting any 2 consecutive bases within chr6:33,676,857-33,676,860 gives the same sequence; the c. name uses the placement nearest the transcript's 3' end. VCF-style (leftmost placement, unchanged base first): chr6-33676856-CAG-C. GRCh37 (hg19) VCF-style: chr6-33644633-CAG-C.
Other names: c.3374_3375delAG (NM_002224.4); short protein forms E1125fs.
Identifiers: ClinVar variation 4887608 (VCV004887608.1).